The following is an entry in ClinVar:

NM_152393.4(KLHL40):c.1231C>A (p.Leu411Ile)

Gene: KLHL40 (kelch like family member 40; plus strand). Cytogenetic location: 3p22.1.
Variant type: single nucleotide variant.
Coding change: c.1231C>A on transcript NM_152393.4 (MANE Select); coding-DNA position 1231, C replaced by A.
Protein change: p.Leu411Ile; replaces leucine 411 with isoleucine.
Molecular consequence: missense variant.
Genome position (GRCh38, 1-based): chr3:42,688,220, C>A. VCF-style: chr3-42688220-C-A. GRCh37 (hg19) VCF-style: chr3-42729712-C-A.
Other names: short protein forms L411I.
Identifiers: ClinVar variation 1973784 (VCV001973784.3), dbSNP rs766415160, ClinGen allele CA352293431.
Genomic context (GRCh38, chr3:42,688,220, plus strand): 5'-GAGTGGCTGGGGATGCCACCGCTGCCCTCGCCCCGCTGCCTCTTTGGCCTGGGAGAAGCT[C>A]TCAACTCCATCTACGTGGTCGGTGGCAGAGAGATCAAGGACGGCGAGCGCTGCCTGGACT-3'
Protein context (NP_689606.2, residues 401-421): PRCLFGLGEA[Leu411Ile]NSIYVVGGRE

ClinVar aggregate classification (germline): Uncertain significance (1 of 4 stars; one submission).

Conditions:
Nemaline myopathy 8 (NEM8). Also called: Nemaline myopathy 8, autosomal recessive. Identifiers: Orphanet 171430, MedGen C3809209, MONDO:0014138, OMIM 615348.

gnomAD v4.1: 1 of 1,614,014 alleles (0.000062%); highest among the groups gnomAD compares: Admixed American, 0.0017%; no homozygotes.

Submission:

Labcorp Genetics (formerly Invitae), Labcorp
Classification: Uncertain significance for Nemaline myopathy 8. Last evaluated: 2022-08-20. Review status: criteria provided, single submitter. Criteria: Invitae Variant Classification Sherloc (09022015). Collection method: clinical testing. Allele origin: germline.
Comment: In summary, the available evidence is currently insufficient to determine the role of this variant in disease. Therefore, it has been classified as a Variant of Uncertain Significance. Algorithms developed to predict the effect of missense changes on protein structure and function (SIFT, PolyPhen-2, Align-GVGD) all suggest that this variant is likely to be tolerated. This variant has not been reported in the literature in individuals affected with KLHL40-related conditions. This variant is present in population databases (no rsID available, gnomAD 0.003%). This sequence change replaces leucine, which is neutral and non-polar, with isoleucine, which is neutral and non-polar, at codon 411 of the KLHL40 protein (p.Leu411Ile).